The following is an entry in ClinVar:

ClinVar aggregate classification (germline): Pathogenic (1 of 4 stars; one submission).

Submission:

Labcorp Genetics (formerly Invitae), Labcorp
Classification: Pathogenic. Last evaluated: 2023-08-15. Review status: criteria provided, single submitter. Criteria: Invitae Variant Classification Sherloc (09022015). Collection method: clinical testing. Allele origin: unknown.
Comment: For these reasons, this variant has been classified as Pathogenic. This variant has not been reported in the literature in individuals affected with PTPN23-related conditions. A gross deletion of the genomic region encompassing the full coding sequence of the PTPN23 gene has been identified. Loss-of-function variants in PTPN23 are known to be pathogenic (PMID: 29090338, 29899372). The boundaries of this event are unknown as they extend beyond the assayed region for this gene and therefore may encompass additional genes.

Literature cited by the submitters: PubMed 29090338; PubMed 29899372.

NC_000003.11:g.(?_47422587)_(47454675_?)del

Gene: PTPN23 (protein tyrosine phosphatase non-receptor type 23; plus strand). Cytogenetic location: 3p21.31.
Variant type: Deletion.
Identifiers: ClinVar variation 3247015 (VCV003247015.1).